The following is an entry in ClinVar:

NM_007317.3(KIF22):c.1450-3C>T

Gene: KIF22 (kinesin family member 22; plus strand). Cytogenetic location: 16p11.2.
Variant type: single nucleotide variant.
Coding change: c.1450-3C>T on transcript NM_007317.3 (MANE Select); 3 bases into the intron before coding-DNA position 1450, C replaced by T.
Molecular consequence: intron variant.
Genome position (GRCh38, 1-based): chr16:29,803,446, C>T. VCF-style: chr16-29803446-C-T. GRCh37 (hg19) VCF-style: chr16-29814767-C-T.
Other names: c.1246-3C>T (NM_001256269.2, NM_001256270.1).
Identifiers: ClinVar variation 4767780 (VCV004767780.1).

ClinVar aggregate classification (germline): Uncertain significance (1 of 4 stars; one submission).

gnomAD v4.1: 7 of 1,613,796 alleles (0.00043%); highest among the groups gnomAD compares: Non-Finnish European, 0.00042%; no homozygotes.

Submission:

Labcorp Genetics (formerly Invitae), Labcorp
Classification: Uncertain significance. Last evaluated: 2025-10-06. Review status: criteria provided, single submitter. Criteria: Invitae Variant Classification Sherloc (09022015). Collection method: clinical testing. Allele origin: germline.
Comment: This sequence change falls in intron 9 of the KIF22 gene. It does not directly change the encoded amino acid sequence of the KIF22 protein. It affects a nucleotide within the consensus splice site. This variant is present in population databases (rs776648360, gnomAD 0.01%). This variant has not been reported in the literature in individuals affected with KIF22-related conditions. Variants that disrupt the consensus splice site are a relatively common cause of aberrant splicing (PMID: 17576681, 9536098). Algorithms developed to predict the effect of sequence changes on RNA splicing suggest that this variant is not likely to affect RNA splicing. In summary, the available evidence is currently insufficient to determine the role of this variant in disease. Therefore, it has been classified as a Variant of Uncertain Significance.

Literature cited by the submitters: PubMed 17576681; PubMed 9536098.